The following is an entry in ClinVar:

ClinVar aggregate classification (germline): Uncertain significance (1 of 4 stars; one submission).

Submission:

Labcorp Genetics (formerly Invitae), Labcorp
Classification: Uncertain significance. Last evaluated: 2022-05-05. Review status: criteria provided, single submitter. Criteria: Invitae Variant Classification Sherloc (09022015). Collection method: clinical testing. Allele origin: germline.
Comment: This variant is a gross deletion of the genomic region encompassing exon(s) 13 of the SUGCT gene. This variant would be expected to be in-frame, preserving the integrity of the reading frame. This variant has not been reported in the literature in individuals affected with SUGCT-related conditions. Experimental studies and prediction algorithms are not available or were not evaluated, and the functional significance of this variant is currently unknown. In summary, the available evidence is currently insufficient to determine the role of this variant in disease. Therefore, it has been classified as a Variant of Uncertain Significance.

NC_000007.13:g.(?_40723635)_(40723752_?)del

Gene: SUGCT (succinyl-CoA:glutarate-CoA transferase; plus strand). Cytogenetic location: 7p14.1.
Variant type: Deletion.
Identifiers: ClinVar variation 2426873 (VCV002426873.4).